The following is an entry in ClinVar:

NM_032656.4(DHX37):c.2331A>G (p.Thr777=)

Gene: DHX37 (DEAH-box helicase 37; minus strand). Cytogenetic location: 12q24.31.
Variant type: single nucleotide variant.
Coding change: c.2331A>G on transcript NM_032656.4 (MANE Select); coding-DNA position 2331, A replaced by G.
Protein change: p.Thr777=; no amino-acid change (threonine 777 retained).
Molecular consequence: synonymous variant.
Genome position (GRCh38, 1-based): chr12:124,956,813, T>C on the plus strand (A>G on the coding strand, the complement: DHX37 is on the minus strand). VCF-style: chr12-124956813-T-C. GRCh37 (hg19) VCF-style: chr12-125441359-T-C.
Other names: c.2331A>G (NM_032656.3).
Identifiers: ClinVar variation 1255492 (VCV001255492.12), dbSNP rs10773127, ClinGen allele CA6871670.
Genomic context (GRCh38, chr12:124,956,813, plus strand): 5'-CAGGCAGCCGTGTTGTCGGCTCAGTGCCAGCATCTTAGCGTAGCGGGGTGCCACGGGGAA[T>C]GTGGCCATTGTCCGGCCCAGCGCAGTGATGGGGCAGCTCAGCCGGTTCTCCTGCAGTTGC-3'
Protein context (NP_116045.2, residues 767-787): PITALGRTMA[Thr777=]FPVAPRYAKM

ClinVar aggregate classification (germline): Benign. Review status: criteria provided, multiple submitters, no conflicts (2 of 4 stars). 6 submissions from 5 submitters: Benign (5). 1 of the submissions does not count toward it. Last evaluated 2026-02-02.

Conditions:
46,XY sex reversal 11. Also called: ANORCHIA, FAMILIAL; TESTICULAR REGRESSION, EMBRYONIC; Vanishing testis; Testicular regression syndrome. Identifiers: Orphanet 983, MedGen C0266427, MONDO:8000015, OMIM 273250, HP:0012870.
Neurodevelopmental disorder with brain anomalies and with or without vertebral or cardiac anomalies. Identifiers: MedGen C5231481, MONDO:0032888, OMIM 618731.
DHX37-related disorder. Also called: DHX37-Related Disorders; DHX37-related condition.

Allele frequency attached by ClinVar (database versions not stated): ExAC 0.25549; 1000 Genomes Project 0.38019; TOPMed 0.39096; 1000 Genomes Project 30x 0.39163; ESP Exome Variant Server 0.39774.
gnomAD v4.1: 381,710 of 1,609,750 alleles (24%); highest among the groups gnomAD compares: African/African-American, 78%; 57,670 homozygotes.

Submissions (6):

Labcorp Genetics (formerly Invitae), Labcorp
Classification: Benign. Last evaluated: 2026-02-02. Review status: criteria provided, single submitter. Criteria: Invitae Variant Classification Sherloc (09022015). Collection method: clinical testing. Allele origin: germline.

Genome-Nilou Lab
Classification: Benign for 46,XY sex reversal 11. Last evaluated: 2021-07-30. Review status: criteria provided, single submitter. Criteria: ACMG Guidelines, 2015. Collection method: clinical testing. Allele origin: germline. Affected: no.

Genome-Nilou Lab
Classification: Benign for Neurodevelopmental disorder with brain anomalies and with or without vertebral or cardiac anomalies. Last evaluated: 2021-07-30. Review status: criteria provided, single submitter. Criteria: ACMG Guidelines, 2015. Collection method: clinical testing. Allele origin: germline. Affected: no.

GeneDx
Classification: Benign. Last evaluated: 2019-02-08. Review status: criteria provided, single submitter. Criteria: GeneDx Variant Classification Process June 2021. Collection method: clinical testing. Allele origin: germline. Affected: yes.

Breakthrough Genomics
Classification: Benign. Review status: criteria provided, single submitter. Criteria: ACMG Guidelines, 2015. Collection method: not provided. Allele origin: germline. Inheritance: Autosomal recessive inheritance. Affected: yes.

PreventionGenetics, part of Exact Sciences
Classification: Benign for DHX37-related condition. Last evaluated: 2019-10-30. Review status: no assertion criteria provided. Collection method: clinical testing. Allele origin: germline. Not counted in ClinVar's aggregate classification.
Comment: This variant is classified as benign based on ACMG/AMP sequence variant interpretation guidelines (Richards et al. 2015 PMID: 25741868, with internal and published modifications).